The following is an entry in ClinVar:

NM_003047.5(SLC9A1):c.1936-5_1936-4inv

Gene: SLC9A1 (solute carrier family 9 member A1; minus strand). Cytogenetic location: 1p36.11.
Variant type: Inversion.
Coding change: c.1936-5_1936-4inv on transcript NM_003047.5 (MANE Select).
Molecular consequence: intron variant.
Genome position: GRCh38 VCF-style: chr1-27101830-TG-CA. GRCh37 (hg19) VCF-style: chr1-27428321-TG-CA.
Identifiers: ClinVar variation 2180977 (VCV002180977.4), ClinGen allele CA2580062655.
Genomic context (GRCh38, chr1:27,101,830, plus strand): 5'-GTTCCAGGCTTCCTCGTAGGGGTCTGCCACCAGCGTGTGTCTGTTGTAGGACCGCAGCTG[TG>CA]GGAGGGACAGCGTCAGGGCAGTGCGGGCCCCGGAAGGCTCTGCTCATGGAGGGGTGGGGG-3'

ClinVar aggregate classification (germline): Uncertain significance (1 of 4 stars; one submission).

Submission:

Labcorp Genetics (formerly Invitae), Labcorp
Classification: Uncertain significance. Last evaluated: 2022-07-14. Review status: criteria provided, single submitter. Criteria: Invitae Variant Classification Sherloc (09022015). Collection method: clinical testing. Allele origin: germline.
Comment: This sequence change falls in intron 9 of the SLC9A1 gene. It does not directly change the encoded amino acid sequence of the SLC9A1 protein. Information on the frequency of this variant in the gnomAD database is not available, as this variant may be reported differently in the database. This variant has not been reported in the literature in individuals affected with SLC9A1-related conditions. Experimental studies and prediction algorithms are not available or were not evaluated, and the effect of this variant on mRNA splicing is currently unknown. In summary, the available evidence is currently insufficient to determine the role of this variant in disease. Therefore, it has been classified as a Variant of Uncertain Significance.